The following is an entry in ClinVar:

ClinVar aggregate classification (germline): Benign/Likely benign. Review status: criteria provided, multiple submitters, no conflicts (2 of 4 stars). 5 submissions from 5 submitters: Benign (3); Likely benign (2). Last evaluated 2026-04-21.

Conditions:
MED13L-related disorder. Also called: MED13L-related condition.
Dextro-looped transposition of the great arteries. Also called: Dextrotransposition of the great arteries. Identifiers: Orphanet 860, MedGen C3531771, MONDO:0019443, OMIM 608808, HP:0031348.

Allele frequency attached by ClinVar (database versions not stated): ESP Exome Variant Server 0.00023; gnomAD 0.00034 and 0.00048; TOPMed 0.00059; 1000 Genomes Project 30x 0.00172; 1000 Genomes Project 0.00200.
gnomAD v4.1: 770 of 1,614,116 alleles (0.048%); highest among the groups gnomAD compares: East Asian, 1.2%; 7 homozygotes.

Submissions (6):

PreventionGenetics, part of Exact Sciences
Classification: Benign for MED13L-related condition. Last evaluated: 2026-04-21. Review status: criteria provided, single submitter. Criteria: ACMG Guidelines, 2015. Collection method: clinical testing. Allele origin: germline.
Comment: This variant is classified as benign based on ACMG/AMP sequence variant interpretation guidelines (Richards et al. 2015 PMID: 25741868, with internal and published modifications).

Labcorp Genetics (formerly Invitae), Labcorp
Classification: Benign for Dextro-looped transposition of the great arteries. Last evaluated: 2025-10-11. Review status: criteria provided, single submitter. Criteria: Invitae Variant Classification Sherloc (09022015). Collection method: clinical testing. Allele origin: germline.

CeGaT Center for Human Genetics Tuebingen
Classification: Likely benign. Last evaluated: 2025-05-01. Review status: criteria provided, single submitter. Criteria: CeGaT Center For Human Genetics Tuebingen Variant Classification Criteria Version 2. Collection method: clinical testing. Allele origin: germline. Affected: yes. Observed: 3 variant alleles.
Comment: MED13L: BP4, BP7, BS1

Blueprint Genetics
Classification: Likely benign. Last evaluated: 2024-11-07. Review status: criteria provided, single submitter. Criteria: ACMG Guidelines, 2015. Collection method: clinical testing. Allele origin: germline.

GeneDx
Classification: Benign. Last evaluated: 2019-10-08. Review status: criteria provided, single submitter. Criteria: GeneDx Variant Classification Process June 2021. Collection method: clinical testing. Allele origin: germline. Affected: yes.

Dr. Peter K. Rogan Lab, Western University
No classification provided (evidence only). Condition: Malignant tumor of esophagus. Review status: no classification provided. Collection method: in vitro. Allele origin: not applicable. Functional consequence: skipped exon. Not counted in ClinVar's aggregate classification.

NM_015335.5(MED13L):c.4758G>A (p.Pro1586=)

Gene: MED13L (mediator complex subunit 13L; minus strand). Cytogenetic location: 12q24.21.
Variant type: single nucleotide variant.
Coding change: c.4758G>A on transcript NM_015335.5 (MANE Select); coding-DNA position 4758, G replaced by A.
Protein change: p.Pro1586=; no amino-acid change (proline 1586 retained).
Molecular consequence: synonymous variant.
Genome position (GRCh38, 1-based): chr12:115,983,314, C>T on the plus strand (G>A on the coding strand, the complement: MED13L is on the minus strand). VCF-style: chr12-115983314-C-T. GRCh37 (hg19) VCF-style: chr12-116421119-C-T.
Identifiers: ClinVar variation 241044 (VCV000241044.38), dbSNP rs141818426, ClinGen allele CA6810732.